The following is an entry in ClinVar:

NM_000051.4(ATM):c.4235C>T (p.Pro1412Leu)

Gene: ATM (ATM serine/threonine kinase; plus strand). Cytogenetic location: 11q22.3.
Variant type: single nucleotide variant.
Coding change: c.4235C>T on transcript NM_000051.4 (MANE Select); coding-DNA position 4235, C replaced by T.
Protein change: p.Pro1412Leu; replaces proline 1412 with leucine.
Molecular consequence: missense variant.
Genome position (GRCh38, 1-based): chr11:108,289,102, C>T. VCF-style: chr11-108289102-C-T. GRCh37 (hg19) VCF-style: chr11-108159829-C-T.
Other names: c.4235C>T, p.Pro1412Leu (NM_001351834.2); short protein forms P1412L.
Identifiers: ClinVar variation 302248 (VCV000302248.29), dbSNP rs776581499, ClinGen allele CA6265416.

ClinVar aggregate classification (germline): Uncertain significance. Review status: criteria provided, multiple submitters, no conflicts (2 of 4 stars). 7 submissions from 7 submitters: Uncertain significance (6). 1 of the submissions does not count toward it. Last evaluated 2025-08-21.

Conditions:
Hereditary cancer-predisposing syndrome. Also called: Hereditary Cancer Syndrome; Hereditary neoplastic syndrome; Neoplastic Syndromes, Hereditary; Tumor predisposition. Identifiers: Orphanet 140162, MedGen C0027672, MeSH D009386, MONDO:0015356.
Familial cancer of breast. Also called: hereditary breast carcinoma; BREAST CANCER, FAMILIAL; Hereditary breast cancer. Identifiers: Orphanet 227535, MedGen C0346153, MONDO:0016419, OMIM 114480. Disease mechanism: loss of function.
Ataxia-telangiectasia syndrome (AT). Also called: Ataxia-telangiectasia, complementation group E; LOUIS-BAR SYNDROME; Cerebello-oculocutaneous telangiectasia; Immunodeficiency with ataxia telangiectasia; Ataxia-telangiectasia, complementation group D; AT, COMPLEMENTATION GROUP C. Identifiers: Orphanet 100, MedGen C0004135, MONDO:0008840, OMIM 208900.

Allele frequency attached by ClinVar (database versions not stated): gnomAD 0.00001; gnomAD exomes 0.00001; TOPMed 0.00001; ExAC 0.00002.

Submissions (7):

Ambry Genetics
Classification: Uncertain significance for Hereditary cancer-predisposing syndrome. Last evaluated: 2025-08-21. Review status: criteria provided, single submitter. Criteria: Ambry Variant Classification Scheme 2023. Collection method: clinical testing. Allele origin: germline.
Comment: The p.P1412L variant (also known as c.4235C>T), located in coding exon 27 of the ATM gene, results from a C to T substitution at nucleotide position 4235. The proline at codon 1412 is replaced by leucine, an amino acid with similar properties. This amino acid position is highly conserved in available vertebrate species. In addition, this alteration is predicted to be deleterious by in silico analysis. Since supporting evidence is limited at this time, the clinical significance of this alteration remains unclear.

Labcorp Genetics (formerly Invitae), Labcorp
Classification: Uncertain significance for Ataxia-telangiectasia syndrome. Last evaluated: 2025-05-25. Review status: criteria provided, single submitter. Criteria: Invitae Variant Classification Sherloc (09022015). Collection method: clinical testing. Allele origin: germline.
Comment: This sequence change replaces proline, which is neutral and non-polar, with leucine, which is neutral and non-polar, at codon 1412 of the ATM protein (p.Pro1412Leu). The frequency data for this variant in the population databases is considered unreliable, as metrics indicate poor data quality at this position in the gnomAD database. This variant has not been reported in the literature in individuals affected with ATM-related conditions. ClinVar contains an entry for this variant (Variation ID: 302248). An algorithm developed to predict the effect of missense changes on protein structure and function (PolyPhen-2) suggests that this variant is likely to be disruptive. In summary, the available evidence is currently insufficient to determine the role of this variant in disease. Therefore, it has been classified as a Variant of Uncertain Significance.

GeneDx
Classification: Uncertain significance. Last evaluated: 2022-02-02. Review status: criteria provided, single submitter. Criteria: GeneDx Variant Classification Process June 2021. Collection method: clinical testing. Allele origin: germline. Affected: yes.
Comment: Not observed at significant frequency in large population cohorts (gnomAD); In silico analysis supports that this missense variant has a deleterious effect on protein structure/function; Has not been previously published as pathogenic or benign to our knowledge

Color Diagnostics, LLC DBA Color Health
Classification: Uncertain significance for Hereditary cancer-predisposing syndrome. Last evaluated: 2021-08-24. Review status: criteria provided, single submitter. Criteria: ACMG Guidelines, 2015. Collection method: clinical testing. Allele origin: germline.
Comment: This missense variant replaces proline with leucine at codon 1412 of the ATM protein. Computational prediction suggests that this variant may not impact protein structure and function (internally defined REVEL score threshold <= 0.5, PMID: 27666373). To our knowledge, functional studies have not been reported for this variant. This variant has not been reported in individuals affected with hereditary cancer in the literature. This variant has not been identified in the general population by the Genome Aggregation Database (gnomAD). The available evidence is insufficient to determine the role of this variant in disease conclusively. Therefore, this variant is classified as a Variant of Uncertain Significance.

Fulgent Genetics
Classification: Uncertain significance for Familial cancer of breast; Ataxia-telangiectasia syndrome. Last evaluated: 2018-10-31. Review status: criteria provided, single submitter. Criteria: ACMG Guidelines, 2015. Collection method: clinical testing. Allele origin: unknown.

Illumina Laboratory Services, Illumina
Classification: Uncertain significance for Ataxia-telangiectasia syndrome. Last evaluated: 2018-01-13. Review status: criteria provided, single submitter. Criteria: ICSL Variant Classification Criteria 13 December 2019. Collection method: clinical testing. Allele origin: germline.

Natera, Inc.
Classification: Uncertain significance for Ataxia-telangiectasia. Last evaluated: 2021-02-08. Review status: no assertion criteria provided. Collection method: clinical testing. Allele origin: germline. Not counted in ClinVar's aggregate classification.